The following is an entry in ClinVar:

NM_203447.4(DOCK8):c.1798-10T>C

Gene: DOCK8 (dedicator of cytokinesis 8; plus strand). Cytogenetic location: 9p24.3.
Variant type: single nucleotide variant.
Coding change: c.1798-10T>C on transcript NM_203447.4 (MANE Select); 10 bases into the intron before coding-DNA position 1798, T replaced by C.
Molecular consequence: intron variant.
Genome position (GRCh38, 1-based): chr9:370,220, T>C. VCF-style: chr9-370220-T-C. GRCh37 (hg19) VCF-style: chr9-370220-T-C.
Other names: c.1594-10T>C (NM_001193536.2, NM_001190458.2).
Identifiers: ClinVar variation 506809 (VCV000506809.12), dbSNP rs373312047, ClinGen allele CA4957945.

ClinVar aggregate classification (germline): Likely benign. Review status: criteria provided, multiple submitters, no conflicts (2 of 4 stars). 3 submissions from 3 submitters: Likely benign (3). Last evaluated 2026-01-16.

Conditions:
Combined immunodeficiency due to DOCK8 deficiency (HIES2). Also called: DOCK8 Deficiency; HIES autosomal recessive; Hyper-IgE recurrent infection syndrome, autosomal recessive; HYPER-IgE RECURRENT INFECTION SYNDROME 2, AUTOSOMAL RECESSIVE; HYPER-IgE SYNDROME 2, AUTOSOMAL RECESSIVE, WITH RECURRENT INFECTIONS. Identifiers: Orphanet 217390, MedGen C4722305, MONDO:0009478, OMIM 243700.

Allele frequency attached by ClinVar (database versions not stated): gnomAD exomes 0.00006 and 0.00012; ExAC 0.00014; 1000 Genomes Project 30x 0.00016; 1000 Genomes Project 0.00020; gnomAD 0.00056 and 0.00059; ESP Exome Variant Server 0.00062; TOPMed 0.00070.
gnomAD v4.1: 170 of 1,612,110 alleles (0.011%); highest among the groups gnomAD compares: African/African-American, 0.19%; no homozygotes.

Submissions (3):

Labcorp Genetics (formerly Invitae), Labcorp
Classification: Likely benign for Combined immunodeficiency due to DOCK8 deficiency. Last evaluated: 2026-01-16. Review status: criteria provided, single submitter. Criteria: Invitae Variant Classification Sherloc (09022015). Collection method: clinical testing. Allele origin: germline.

Blueprint Genetics
Classification: Likely benign. Last evaluated: 2024-09-24. Review status: criteria provided, single submitter. Criteria: ACMG Guidelines, 2015. Collection method: clinical testing. Allele origin: germline.

GeneDx
Classification: Likely benign. Last evaluated: 2017-01-06. Review status: criteria provided, single submitter. Criteria: GeneDx Variant Classification (06012015). Collection method: clinical testing. Allele origin: germline. Affected: yes.
Comment: This variant is considered likely benign or benign based on one or more of the following criteria: it is a conservative change, it occurs at a poorly conserved position in the protein, it is predicted to be benign by multiple in silico algorithms, and/or has population frequency not consistent with disease.